The following is an entry in ClinVar:

ClinVar aggregate classification (germline): Likely benign. Review status: criteria provided, multiple submitters, no conflicts (2 of 4 stars). 2 submissions from 2 submitters: Likely benign (2). Last evaluated 2018-06-19.

Allele frequency attached by ClinVar (database versions not stated): gnomAD 0.00675 and 0.00667; gnomAD exomes 0.00820; 1000 Genomes Project 0.00280; 1000 Genomes Project 30x 0.00265; TOPMed 0.00618.
gnomAD v4.1: 5,105 of 653,908 alleles (0.78%); highest among the groups gnomAD compares: Non-Finnish European, 1.1%; 42 homozygotes.

Submissions (4):

GeneDx
Classification: Likely benign. Last evaluated: 2018-06-19. Review status: criteria provided, single submitter. Criteria: GeneDx Variant Classification (06012015). Collection method: clinical testing. Allele origin: germline. Affected: yes.
Comment: This variant is considered likely benign or benign based on one or more of the following criteria: it is a conservative change, it occurs at a poorly conserved position in the protein, it is predicted to be benign by multiple in silico algorithms, and/or has population frequency not consistent with disease.

Breakthrough Genomics
Classification: Likely benign. Review status: criteria provided, single submitter. Criteria: ACMG Guidelines, 2015. Collection method: not provided. Allele origin: germline. Inheritance: Autosomal dominant inheritance. Affected: yes.

Dr. Peter K. Rogan Lab, Western University
No classification provided (evidence only). Condition: Ovarian serous cystadenocarcinoma. Review status: no classification provided. Collection method: in vitro. Allele origin: not applicable. Functional consequence: retained intron. Not counted in ClinVar's aggregate classification.

Dr. Peter K. Rogan Lab, Western University
No classification provided (evidence only). Condition: Lymphoma. Review status: no classification provided. Collection method: in vitro. Allele origin: not applicable. Functional consequence: skipped exon. Not counted in ClinVar's aggregate classification.

NM_015915.5(ATL1):c.1551+241A>G

Gene: ATL1 (atlastin GTPase 1; plus strand). Cytogenetic location: 14q22.1.
Variant type: single nucleotide variant.
Coding change: c.1551+241A>G on transcript NM_015915.5 (MANE Select); 241 bases into the intron after coding-DNA position 1551, A replaced by G.
Molecular consequence: intron variant.
Genome position (GRCh38, 1-based): chr14:50,628,703, A>G. VCF-style: chr14-50628703-A-G. GRCh37 (hg19) VCF-style: chr14-51095421-A-G.
Other names: NC_000014.8:g.51095421A>G; c.1551+241A>G (NM_001127713.1, NM_181598.4).
Identifiers: ClinVar variation 677086 (VCV000677086.3), dbSNP rs140173855, ClinGen allele CA260795285.